The following is an entry in ClinVar:

NM_003742.4(ABCB11):c.2369A>G (p.Glu790Gly)

Gene: ABCB11 (ATP binding cassette subfamily B member 11; minus strand). Cytogenetic location: 2q31.1.
Variant type: single nucleotide variant.
Coding change: c.2369A>G on transcript NM_003742.4 (MANE Select); coding-DNA position 2369, A replaced by G.
Protein change: p.Glu790Gly; replaces glutamic acid 790 with glycine.
Molecular consequence: missense variant.
Genome position (GRCh38, 1-based): chr2:168,944,936, T>C on the plus strand (A>G on the coding strand, the complement: ABCB11 is on the minus strand). VCF-style: chr2-168944936-T-C. GRCh37 (hg19) VCF-style: chr2-169801446-T-C.
Other names: NM_003742.4:c.2369A>G; short protein forms E790G.
Identifiers: ClinVar variation 3776853 (VCV003776853.3).

ClinVar aggregate classification (germline): Uncertain significance. Review status: criteria provided, multiple submitters, no conflicts (2 of 4 stars). 3 submissions from 3 submitters: Uncertain significance (3). Last evaluated 2026-04-14.

Conditions:
Progressive familial intrahepatic cholestasis type 2. Identifiers: Orphanet 79304, MedGen C3489789, MONDO:0011156, OMIM 601847.
Familial intrahepatic cholestasis. Identifiers: Orphanet 284385, MedGen CN296401, MONDO:0017290.

gnomAD v4.1: 1 of 1,561,410 alleles (0.000064%); highest among the groups gnomAD compares: East Asian, 0.0024%; no homozygotes.

Submissions (3):

Genomenon, Inc
Classification: Uncertain significance for Familial intrahepatic cholestasis. Last evaluated: 2026-04-14. Review status: criteria provided, single submitter. Criteria: Genomenon Sequence Variant Interpretation Standards - Updated. Collection method: curation. Allele origin: germline. Affected: yes.
Comment: ABCB11 p.Glu790Gly (c.2369A>G) is a missense variant that changes the amino acid at residue 790 from Glutamic acid to Glycine. This variant has been observed in at least one individual with transient neonatal cholestasis (PMID:32808743). It is absent or not present at a significant frequency in gnomAD. In silico models predict that this variant is possibly or probably damaging. In conclusion, we classify ABCB11 p.Glu790Gly (c.2369A>G) as a variant of uncertain significance.

Women's Health and Genetics/Laboratory Corporation of America, LabCorp
Classification: Uncertain significance. Last evaluated: 2025-06-05. Review status: criteria provided, single submitter. Criteria: LabCorp Variant Classification Summary - May 2015. Collection method: clinical testing. Allele origin: germline.
Comment: Variant summary: ABCB11 c.2369A>G (p.Glu790Gly) results in a non-conservative amino acid change in the encoded protein sequence. Algorithms developed to predict the effect of missense changes on protein structure and function all suggest that this variant is likely to be disruptive. The frequency data for this variant in gnomAD is considered unreliable, as metrics indicate poor data quality at this position. c.2369A>G has been observed in at least one individual affected with transient neonatal cholestasis (Li_2020). The report does not provide unequivocal conclusions about association of the variant with Familial Intrahepatic Cholestasis. To our knowledge, no experimental evidence demonstrating an impact on protein function has been reported. The following publication have been ascertained in the context of this evaluation (PMID: 32808743). ClinVar contains an entry for this variant (Variation ID: 3776853). Based on the evidence outlined above, the variant was classified as uncertain significance.

Broad Center for Mendelian Genomics, Broad Institute of MIT and Harvard
Classification: Uncertain significance for Progressive familial intrahepatic cholestasis type 2. Last evaluated: 2025-01-24. Review status: criteria provided, single submitter. Criteria: ACMG Guidelines, 2015. Collection method: curation. Allele origin: germline. Inheritance: Autosomal recessive inheritance.
Comment: The p.Glu790Gly variant in ABCB11 has been reported in 1 individual with BSEP deficiency (PMID: 32808743), and has been identified in 0.002% (1/42222) of East Asian chromosomes by the Genome Aggregation Database (gnomAD; dbSNP rs1171867548). Although this variant has been seen in the general population in a heterozygous state, its frequency is low enough to be consistent with a recessive carrier frequency. Computational prediction tools and conservation analyses do not provide strong support for or against an impact to the protein. In summary, the clinical significance of the p.Glu790Gly variant is uncertain. ACMG/AMP Criteria applied: PM2_supporting (Richards 2015).

Literature cited by the submitters: PubMed 32808743 (cited by Genomenon, Inc and Women's Health and Genetics/Laboratory Corporation of America, LabCorp).